The following is an entry in ClinVar:

NM_000218.3(KCNQ1):c.1032+3A>T

Gene: KCNQ1 (potassium voltage-gated channel subfamily Q member 1; plus strand). Cytogenetic location: 11p15.5.
Variant type: single nucleotide variant.
Coding change: c.1032+3A>T on transcript NM_000218.3 (MANE Select); 3 bases into the intron after coding-DNA position 1032, A replaced by T.
Molecular consequence: intron variant.
Genome position (GRCh38, 1-based): chr11:2,583,548, A>T. VCF-style: chr11-2583548-A-T. GRCh37 (hg19) VCF-style: chr11-2604778-A-T.
Other names: c.762+3A>T (NM_001406837.1); c.1032+3A>T (NM_001406836.1); c.588+3A>T (NM_001406838.1); c.651+3A>T (NM_181798.2).
Identifiers: ClinVar variation 2128295 (VCV002128295.4), dbSNP rs2493696404, ClinGen allele CA2580082608.
Genomic context (GRCh38, chr11:2,583,548, plus strand): 5'-GAAGACCATCGCCTCCTGCTTCTCTGTCTTTGCCATCTCCTTCTTTGCGCTCCCAGCGGT[A>T]GGTGCCCCGTGGGTGCGTTTTCCCTGGCTCCTTGGACAGCTGGGGTCCTGGGGTGGCTGC-3'

ClinVar aggregate classification (germline): Uncertain significance (1 of 4 stars; one submission).

Conditions:
Long QT syndrome (LQTS). Identifiers: MedGen C0023976, MeSH D008133, MONDO:0002442. Disease mechanism: loss of function. Inheritance: Various modes of inheritance.

Submission:

Labcorp Genetics (formerly Invitae), Labcorp
Classification: Uncertain significance for Long QT syndrome. Last evaluated: 2022-04-20. Review status: criteria provided, single submitter. Criteria: Invitae Variant Classification Sherloc (09022015). Collection method: clinical testing. Allele origin: germline.
Comment: In summary, the available evidence is currently insufficient to determine the role of this variant in disease. Therefore, it has been classified as a Variant of Uncertain Significance. Variants that disrupt the consensus splice site are a relatively common cause of aberrant splicing (PMID: 17576681, 9536098). Algorithms developed to predict the effect of sequence changes on RNA splicing suggest that this variant may disrupt the consensus splice site. This variant has not been reported in the literature in individuals affected with KCNQ1-related conditions. This variant is not present in population databases (gnomAD no frequency). This sequence change falls in intron 7 of the KCNQ1 gene. It does not directly change the encoded amino acid sequence of the KCNQ1 protein. It affects a nucleotide within the consensus splice site.

Literature cited by the submitters: PubMed 17576681; PubMed 9536098.